The following is an entry in ClinVar:

NM_144672.4(OTOA):c.742G>C (p.Asp248His)

Gene: OTOA (otoancorin). Cytogenetic location: 16p12.2.
Variant type: single nucleotide variant.
Coding change: c.742G>C on transcript NM_144672.4 (MANE Select); coding-DNA position 742, G replaced by C.
Protein change: p.Asp248His; replaces aspartic acid 248 with histidine.
Molecular consequence: missense variant.
Genome position (GRCh38, 1-based): chr16:21,697,777, G>C. VCF-style: chr16-21697777-G-C. GRCh37 (hg19) VCF-style: chr16-21709098-G-C.
Other names: c.505G>C, p.Asp169His (NM_001161683.2); short protein forms D169H, D248H.
Identifiers: ClinVar variation 1388119 (VCV001388119.5), dbSNP rs1003220086, ClinGen allele CA279401430.

ClinVar aggregate classification (germline): Uncertain significance (1 of 4 stars; one submission).

Allele frequency attached by ClinVar (database versions not stated): gnomAD 0.00001; gnomAD exomes 0.00001 and 0.00007; TOPMed 0.00001.
gnomAD v4.1: 101 of 1,613,656 alleles (0.0063%); highest among the groups gnomAD compares: Non-Finnish European, 0.0082%; no homozygotes.

Submission:

Labcorp Genetics (formerly Invitae), Labcorp
Classification: Uncertain significance. Last evaluated: 2021-09-01. Review status: criteria provided, single submitter. Criteria: Invitae Variant Classification Sherloc (09022015). Collection method: clinical testing. Allele origin: germline.
Comment: This sequence change replaces aspartic acid with histidine at codon 248 of the OTOA protein (p.Asp248His). The aspartic acid residue is moderately conserved and there is a moderate physicochemical difference between aspartic acid and histidine. This variant is not present in population databases (ExAC no frequency). This variant has not been reported in the literature in individuals affected with OTOA-related conditions. Algorithms developed to predict the effect of missense changes on protein structure and function are either unavailable or do not agree on the potential impact of this missense change (SIFT: "Tolerated"; PolyPhen-2: "Possibly Damaging"; Align-GVGD: "Class C0"). In summary, the available evidence is currently insufficient to determine the role of this variant in disease. Therefore, it has been classified as a Variant of Uncertain Significance.